The following is an entry in ClinVar:

NM_001282874.2(SMARCA1):c.86C>A (p.Pro29His)

Gene: SMARCA1 (SNF2 related chromatin remodeling ATPase 1; minus strand). Cytogenetic location: Xq26.1.
Variant type: single nucleotide variant.
Coding change: c.86C>A on transcript NM_001282874.2 (MANE Select); coding-DNA position 86, C replaced by A.
Protein change: p.Pro29His; replaces proline 29 with histidine.
Molecular consequence: missense variant.
Genome position (GRCh38, 1-based): chrX:129,523,285, G>T on the plus strand (C>A on the coding strand, the complement: SMARCA1 is on the minus strand). VCF-style: chrX-129523285-G-T. GRCh37 (hg19) VCF-style: chrX-128657262-G-T.
Other names: c.86C>A, p.Pro29His (NM_001282875.2, NM_001378261.1, NM_001378262.1 and 3 more transcripts); short protein forms P29H.
Identifiers: ClinVar variation 3905759 (VCV003905759.10).

ClinVar aggregate classification (germline): Uncertain significance (1 of 4 stars; one submission).

Submission:

CeGaT Center for Human Genetics Tuebingen
Classification: Uncertain significance. Last evaluated: 2025-06-01. Review status: criteria provided, single submitter. Criteria: CeGaT Center For Human Genetics Tuebingen Variant Classification Criteria Version 2. Collection method: clinical testing. Allele origin: germline. Affected: yes. Observed: 1 variant allele.
Comment: SMARCA1: PM2, PP3